The following is an entry in ClinVar:

NM_198253.3(TERT):c.3158-4C>T

Gene: TERT (telomerase reverse transcriptase; minus strand). Cytogenetic location: 5p15.33.
Variant type: single nucleotide variant.
Coding change: c.3158-4C>T on transcript NM_198253.3 (MANE Select); 4 bases into the intron before coding-DNA position 3158, C replaced by T.
Molecular consequence: intron variant.
Genome position (GRCh38, 1-based): chr5:1,254,509, G>A on the plus strand (C>T on the coding strand, the complement: TERT is on the minus strand). VCF-style: chr5-1254509-G-A. GRCh37 (hg19) VCF-style: chr5-1254624-G-A.
Other names: c.2969-4C>T (NM_001193376.3); c.3158-4C>T (NM_198253.2).
Identifiers: ClinVar variation 1145835 (VCV001145835.11), dbSNP rs767207462, ClinGen allele CA3184259.
Genomic context (GRCh38, chr5:1,254,509, plus strand): 5'-ACTGCACGGCCTCGGAGGGCAGAGGGCCGGCGGCGCCCTTGGCCCCCAGCGACATCCCTG[G>A]GGGAAAACAGAGGCTGAGGAGTCACAGGCCCAGCCCAGCTCCCCTCCCAGGAGACACCGG-3'

ClinVar aggregate classification (germline): Likely benign. Review status: criteria provided, single submitter (1 of 4 stars). 2 submissions from 2 submitters: Likely benign (1). 1 of the submissions does not count toward it. Last evaluated 2023-07-28.

Conditions:
TERT-related disorder. Also called: TERT-related disorders; TERT-related condition.
Idiopathic Pulmonary Fibrosis. Also called: Idiopathic fibrosing alveolitis, chronic form; idiopathic fibrosing alveolitis. Identifiers: Orphanet 2032, MedGen C1800706, MeSH D054990, MONDO:0800504.
Dyskeratosis congenita, autosomal dominant 2. Identifiers: MedGen C3151443, MONDO:0013521, OMIM 613989.

Allele frequency attached by ClinVar (database versions not stated): gnomAD exomes below 0.00001; ExAC 0.00001.
gnomAD v4.1: 5 of 1,610,324 alleles (0.00031%); highest among the groups gnomAD compares: South Asian, 0.0044%; no homozygotes.

Submissions (2):

Labcorp Genetics (formerly Invitae), Labcorp
Classification: Likely benign for Dyskeratosis congenita, autosomal dominant 2; Idiopathic Pulmonary Fibrosis. Last evaluated: 2023-07-28. Review status: criteria provided, single submitter. Criteria: Invitae Variant Classification Sherloc (09022015). Collection method: clinical testing. Allele origin: germline.

PreventionGenetics, part of Exact Sciences
Classification: Likely benign for TERT-related condition. Last evaluated: 2021-07-20. Review status: no assertion criteria provided. Collection method: clinical testing. Allele origin: germline. Not counted in ClinVar's aggregate classification.
Comment: This variant is classified as likely benign based on ACMG/AMP sequence variant interpretation guidelines (Richards et al. 2015 PMID: 25741868, with internal and published modifications).